The following is an entry in ClinVar:

NM_032043.3(BRIP1):c.2212T>A (p.Leu738Ile)

Gene: BRIP1 (BRCA1 interacting DNA helicase 1; minus strand). Cytogenetic location: 17q23.2.
Variant type: single nucleotide variant.
Coding change: c.2212T>A on transcript NM_032043.3 (MANE Select); coding-DNA position 2212, T replaced by A.
Protein change: p.Leu738Ile; replaces leucine 738 with isoleucine.
Molecular consequence: missense variant.
Genome position (GRCh38, 1-based): chr17:61,744,477, A>T on the plus strand (T>A on the coding strand, the complement: BRIP1 is on the minus strand). VCF-style: chr17-61744477-A-T. GRCh37 (hg19) VCF-style: chr17-59821838-A-T.
Other names: short protein forms L738I.
Identifiers: ClinVar variation 631064 (VCV000631064.9), dbSNP rs1567781239, ClinGen allele CA400482964.

ClinVar aggregate classification (germline): Uncertain significance. Review status: criteria provided, multiple submitters, no conflicts (2 of 4 stars). 3 submissions from 3 submitters: Uncertain significance (3). Last evaluated 2024-02-25.

Conditions:
Familial cancer of breast. Also called: BREAST CANCER, FAMILIAL; hereditary breast carcinoma; Hereditary breast cancer. Identifiers: Orphanet 227535, MedGen C0346153, MONDO:0016419, OMIM 114480. Disease mechanism: loss of function.
Fanconi anemia complementation group J. Also called: BRIP1-Related Fanconi Anemia. Identifiers: Orphanet 84, MedGen C1836860, MONDO:0012187, OMIM 609054.
Hereditary cancer-predisposing syndrome. Also called: Hereditary Cancer Syndrome; Neoplastic Syndromes, Hereditary; Tumor predisposition; Hereditary neoplastic syndrome. Identifiers: Orphanet 140162, MedGen C0027672, MeSH D009386, MONDO:0015356.

Submissions (3):

Labcorp Genetics (formerly Invitae), Labcorp
Classification: Uncertain significance for Familial cancer of breast; Fanconi anemia complementation group J. Last evaluated: 2024-02-25. Review status: criteria provided, single submitter. Criteria: Invitae Variant Classification Sherloc (09022015). Collection method: clinical testing. Allele origin: germline.
Comment: This sequence change replaces leucine, which is neutral and non-polar, with isoleucine, which is neutral and non-polar, at codon 738 of the BRIP1 protein (p.Leu738Ile). This variant is not present in population databases (gnomAD no frequency). This variant has not been reported in the literature in individuals affected with BRIP1-related conditions. ClinVar contains an entry for this variant (Variation ID: 631064). Advanced modeling of protein sequence and biophysical properties (such as structural, functional, and spatial information, amino acid conservation, physicochemical variation, residue mobility, and thermodynamic stability) performed at Invitae indicates that this missense variant is not expected to disrupt BRIP1 protein function with a negative predictive value of 80%. In summary, the available evidence is currently insufficient to determine the role of this variant in disease. Therefore, it has been classified as a Variant of Uncertain Significance.

Color Diagnostics, LLC DBA Color Health
Classification: Uncertain significance for Hereditary cancer-predisposing syndrome. Last evaluated: 2023-12-05. Review status: criteria provided, single submitter. Criteria: ACMG Guidelines, 2015. Collection method: clinical testing. Allele origin: germline.
Comment: This missense variant replaces leucine with isoleucine at codon 738 of the BRIP1 protein. Computational prediction suggests that this variant may not impact protein structure and function (internally defined REVEL score threshold <= 0.5, PMID: 27666373). To our knowledge, functional studies have not been reported for this variant. This variant has not been reported in individuals affected with BRIP1-related disorders in the literature. This variant has not been identified in the general population by the Genome Aggregation Database (gnomAD). The available evidence is insufficient to determine the role of this variant in disease conclusively. Therefore, this variant is classified as a Variant of Uncertain Significance.

Ambry Genetics
Classification: Uncertain significance for Hereditary cancer-predisposing syndrome. Last evaluated: 2022-05-01. Review status: criteria provided, single submitter. Criteria: Ambry Variant Classification Scheme 2023. Collection method: clinical testing. Allele origin: germline.
Comment: The p.L738I variant (also known as c.2212T>A), located in coding exon 14 of the BRIP1 gene, results from a T to A substitution at nucleotide position 2212. The leucine at codon 738 is replaced by isoleucine, an amino acid with highly similar properties. This amino acid position is conserved. In addition, this alteration is predicted to be tolerated by in silico analysis. Since supporting evidence is limited at this time, the clinical significance of this alteration remains unclear.